The following is an entry in ClinVar:

NM_001267550.2(TTN):c.71365dup (p.Thr23789fs)

Genes: TTN-AS1 (TTN antisense RNA 1; plus strand), TTN (titin; minus strand). Cytogenetic location: 2q31.2.
Variant type: Duplication.
Coding change: c.71365dup on transcript NM_001267550.2 (MANE Select); coding-DNA position 71365, one base duplicated (A; older notation c.71365dupA).
Protein change: p.Thr23789fs; shifts the reading frame from threonine 23789.
Molecular consequence: frameshift variant.
Genome position (GRCh38, 1-based): chr2:178,574,767, T duplicated on the plus strand (A on the coding strand, the reverse complement: TTN is on the minus strand). VCF-style (leftmost placement, unchanged base first): chr2-178574766-G-GT. GRCh37 (hg19) VCF-style: chr2-179439493-G-GT.
Other names: c.66442dup, p.Thr22148fs (NM_001256850.1); c.44170dup, p.Thr14724fs (NM_003319.4); c.63661dup, p.Thr21221fs (NM_133378.4); c.44545dup, p.Thr14849fs (NM_133432.3); c.44746dup, p.Thr14916fs (NM_133437.4); short protein forms T14724fs, T14916fs, T23789fs, T21221fs, T22148fs, T14849fs.
Identifiers: ClinVar variation 2954215 (VCV002954215.3), dbSNP rs2468645096, ClinGen allele CA2740096025.

ClinVar aggregate classification (germline): Likely pathogenic (1 of 4 stars; one submission).

Conditions:
Autosomal recessive limb-girdle muscular dystrophy type 2J (LGMDR10). Also called: Limb-girdle muscular dystrophy, type 2J; MUSCULAR DYSTROPHY, LIMB-GIRDLE, AUTOSOMAL RECESSIVE 10. Identifiers: Orphanet 140922, MedGen C1837342, MONDO:0012127, OMIM 608807.
Dilated cardiomyopathy 1G (CMD1G). Identifiers: Orphanet 154, MedGen C1858763, MONDO:0011400, OMIM 604145.

Submission:

Labcorp Genetics (formerly Invitae), Labcorp
Classification: Likely pathogenic for Dilated cardiomyopathy 1G; Autosomal recessive limb-girdle muscular dystrophy type 2J. Last evaluated: 2023-11-25. Review status: criteria provided, single submitter. Criteria: Invitae Variant Classification Sherloc (09022015). Collection method: clinical testing. Allele origin: germline.
Comment: This sequence change creates a premature translational stop signal (p.Thr23789Asnfs*18) in the TTN gene. While this is not anticipated to result in nonsense mediated decay, it is expected to create a truncated TTN protein. This variant is not present in population databases (gnomAD no frequency). This variant has not been reported in the literature in individuals affected with TTN-related conditions. This variant is located in the A band of TTN (PMID: 25589632). Truncating variants in this region are significantly overrepresented in patients affected with dilated cardiomyopathy (PMID: 25589632). Truncating variants in this region have also been reported in individuals affected with autosomal recessive centronuclear myopathy (PMID: 23975875). In summary, the currently available evidence indicates that the variant is pathogenic, but additional data are needed to prove that conclusively. Therefore, this variant has been classified as Likely Pathogenic.

Literature cited by the submitters: PubMed 25589632; PubMed 23975875.